The following is an entry in ClinVar:

NM_182914.3(SYNE2):c.817T>G (p.Ser273Ala)

Gene: SYNE2 (spectrin repeat containing nuclear envelope protein 2; plus strand). Cytogenetic location: 14q23.2.
Variant type: single nucleotide variant.
Coding change: c.817T>G on transcript NM_182914.3 (MANE Select); coding-DNA position 817, T replaced by G.
Protein change: p.Ser273Ala; replaces serine 273 with alanine.
Molecular consequence: missense variant.
Genome position (GRCh38, 1-based): chr14:63,961,554, T>G. VCF-style: chr14-63961554-T-G. GRCh37 (hg19) VCF-style: chr14-64428272-T-G.
Other names: c.817T>G, p.Ser273Ala (NM_015180.6); short protein forms S273A.
Identifiers: ClinVar variation 4704018 (VCV004704018.1).

ClinVar aggregate classification (germline): Uncertain significance (1 of 4 stars; one submission).

Conditions:
Emery-Dreifuss muscular dystrophy 5, autosomal dominant (EDMD5). Also called: EMERY-DREIFUSS MUSCULAR DYSTROPHY 5. Identifiers: Orphanet 261, MedGen C2751805, MONDO:0013072, OMIM 612999.

gnomAD v4.1: 2 of 1,614,082 alleles (0.00012%); highest among the groups gnomAD compares: South Asian, 0.0011%; no homozygotes.

Submission:

Labcorp Genetics (formerly Invitae), Labcorp
Classification: Uncertain significance for Emery-Dreifuss muscular dystrophy 5, autosomal dominant. Last evaluated: 2025-09-10. Review status: criteria provided, single submitter. Criteria: Invitae Variant Classification Sherloc (09022015). Collection method: clinical testing. Allele origin: germline.
Comment: This sequence change replaces serine, which is neutral and polar, with alanine, which is neutral and non-polar, at codon 273 of the SYNE2 protein (p.Ser273Ala). This variant is not present in population databases (gnomAD no frequency). This variant has not been reported in the literature in individuals affected with SYNE2-related conditions. An algorithm developed to predict the effect of missense changes on protein structure and function (PolyPhen-2) suggests that this variant is likely to be disruptive. In summary, the available evidence is currently insufficient to determine the role of this variant in disease. Therefore, it has been classified as a Variant of Uncertain Significance.